The following is an entry in ClinVar:

ClinVar aggregate classification (germline): Uncertain significance (1 of 4 stars; one submission).

Conditions:
Ehlers-Danlos syndrome, kyphoscoliotic type, 2. Also called: Ehlers-Danlos syndrome, kyphoscoliotic and deafness type; FKBP14-Kyphoscoliotic Ehlers-Danlos Syndrome; Ehlers-Danlos syndrome with progressive kyphoscoliosis, myopathy, and hearing loss. Identifiers: Orphanet 300179, MedGen C3281160, MONDO:0013800, OMIM 614557.

Allele frequency attached by ClinVar (database versions not stated): gnomAD exomes below 0.00001 and 0.00001; gnomAD 0.00001; TOPMed 0.00001.
gnomAD v4.1: 11 of 1,612,826 alleles (0.00068%); highest among the groups gnomAD compares: African/African-American, 0.0013%; no homozygotes.

Submission:

Labcorp Genetics (formerly Invitae), Labcorp
Classification: Uncertain significance for Ehlers-Danlos syndrome, kyphoscoliotic type, 2. Last evaluated: 2020-10-05. Review status: criteria provided, single submitter. Criteria: Invitae Variant Classification Sherloc (09022015). Collection method: clinical testing. Allele origin: germline.
Comment: In summary, the available evidence is currently insufficient to determine the role of this variant in disease. Therefore, it has been classified as a Variant of Uncertain Significance. Algorithms developed to predict the effect of missense changes on protein structure and function output the following: SIFT: "Tolerated"; PolyPhen-2: "Benign"; Align-GVGD: "Class C0". The phenylalanine amino acid residue is found in multiple mammalian species, suggesting that this missense change does not adversely affect protein function. These predictions have not been confirmed by published functional studies and their clinical significance is uncertain. This variant has not been reported in the literature in individuals with FKBP14-related conditions. This variant is not present in population databases (ExAC no frequency). This sequence change replaces leucine with phenylalanine at codon 10 of the FKBP14 protein (p.Leu10Phe). The leucine residue is moderately conserved and there is a small physicochemical difference between leucine and phenylalanine.

NM_017946.4(FKBP14):c.30G>C (p.Leu10Phe)

Genes: FKBP14-AS1 (FKBP14 antisense RNA 1; plus strand), FKBP14 (FKBP prolyl isomerase 14; minus strand). Cytogenetic location: 7p14.3.
Variant type: single nucleotide variant.
Coding change: c.30G>C on transcript NM_017946.4 (MANE Select); coding-DNA position 30, G replaced by C.
Protein change: p.Leu10Phe; replaces leucine 10 with phenylalanine.
Molecular consequence: missense variant. On other transcripts: non-coding transcript variant (2).
Genome position (GRCh38, 1-based): chr7:30,026,479, C>G on the plus strand (G>C on the coding strand, the complement: FKBP14 is on the minus strand). VCF-style: chr7-30026479-C-G. GRCh37 (hg19) VCF-style: chr7-30066095-C-G.
Other names: short protein forms L10F.
Identifiers: ClinVar variation 1024756 (VCV001024756.7), dbSNP rs1473185753, ClinGen allele CA367118133.